The following is an entry in ClinVar:

ClinVar aggregate classification (germline): Conflicting classifications of pathogenicity. Review status: criteria provided, conflicting classifications (1 of 4 stars). 2 submissions from 2 submitters: Uncertain significance (1); Likely benign (1). Last evaluated 2025-10-22.

Conditions:
TTN-related disorder. Also called: TTN-related condition; TTN-related disease; TTN-related disorders.

Allele frequency attached by ClinVar (database versions not stated): ExAC 0.00002; gnomAD exomes 0.00002 and 0.00008.
gnomAD v4.1: 107 of 1,612,706 alleles (0.0066%); highest among the groups gnomAD compares: Non-Finnish European, 0.009%; no homozygotes.

Submissions (2):

PreventionGenetics, part of Exact Sciences
Classification: Uncertain significance for TTN-related condition. Last evaluated: 2025-10-22. Review status: criteria provided, single submitter. Criteria: ACMG Guidelines, 2015. Collection method: clinical testing. Allele origin: germline.
Comment: The TTN c.11311+1994C>G variant is predicted to interfere with splicing. This variant is also referred to as c.11270C>G (p.Ala3757Gly) in the Novex-3 transcript NM_133379. This variant is located in exon 46 of the Novex-3 transcript (minor small cardiac isoform) which is the last exon of this transcript. This exon is not included in any other TTN transcripts (principle cardiac or skeletal muscle isoforms). To our knowledge, this variant has not been reported in the literature. This variant is reported in 0.0036% of alleles in individuals of European (Non-Finnish) descent in gnomAD. At this time, the clinical significance of this variant is uncertain due to the absence of conclusive functional and genetic evidence.

GeneDx
Classification: Likely benign. Last evaluated: 2017-03-22. Review status: criteria provided, single submitter. Criteria: GeneDx Variant Classification (06012015). Collection method: clinical testing. Allele origin: germline. Affected: yes.
Comment: This variant is considered likely benign or benign based on one or more of the following criteria: it is a conservative change, it occurs at a poorly conserved position in the protein, it is predicted to be benign by multiple in silico algorithms, and/or has population frequency not consistent with disease.

NM_133379.5(TTN):c.11270C>G (p.Ala3757Gly)

Gene: TTN (titin; minus strand). Cytogenetic location: 2q31.2.
Variant type: single nucleotide variant.
Coding change: c.11270C>G on transcript NM_133379.5; coding-DNA position 11270, C replaced by G.
Protein change: p.Ala3757Gly; replaces alanine 3757 with glycine.
Molecular consequence: missense variant. On other transcripts: intron variant (6).
Genome position (GRCh38, 1-based): chr2:178,751,130, G>C on the plus strand (C>G on the coding strand, the complement: TTN is on the minus strand). VCF-style: chr2-178751130-G-C. GRCh37 (hg19) VCF-style: chr2-179615857-G-C.
Other names: c.10222+1994C>G (NM_003319.4); c.10798+1994C>G (NM_133437.4); c.10597+1994C>G (NM_133432.3); c.10360+1994C>G (NM_133378.4, NM_001256850.1); c.11311+1994C>G (NM_001267550.2); short protein forms A3757G.
Identifiers: ClinVar variation 516804 (VCV000516804.2), dbSNP rs777777663, ClinGen allele CA2003766.
Genomic context (GRCh38, chr2:178,751,130, plus strand): 5'-GAAAGGGCATGTGGATTTTGCACAATACTCTCAGCTGAATGATCTACCTTATAACTTTCA[G>C]CTAGATCAGACATAGATCTGATTTTCATGTCCTCTCTAGAGAACAGAATATCTTTATCAC-3'